The following is an entry in ClinVar:

NM_007294.4(BRCA1):c.2446C>G (p.His816Asp)

Gene: BRCA1 (BRCA1 DNA repair associated; minus strand). Cytogenetic location: 17q21.31.
Variant type: single nucleotide variant.
Coding change: c.2446C>G on transcript NM_007294.4 (MANE Select); coding-DNA position 2446, C replaced by G.
Protein change: p.His816Asp; replaces histidine 816 with aspartic acid.
Molecular consequence: missense variant. On other transcripts: intron variant (137).
Genome position (GRCh38, 1-based): chr17:43,093,085, G>C on the plus strand (C>G on the coding strand, the complement: BRCA1 is on the minus strand). VCF-style: chr17-43093085-G-C. GRCh37 (hg19) VCF-style: chr17-41245102-G-C.
Other names: c.2065C>G, p.His689Asp (NM_001407963.1, NM_001407959.1, NM_001407960.1); c.2302C>G, p.His768Asp (NM_001407964.1, NM_001407740.1, NM_001407741.1 and 20 more transcripts); c.1942C>G, p.His648Asp (NM_001407965.1); c.1558C>G, p.His520Asp (NM_001407966.1, NM_001407967.1); c.2305C>G, p.His769Asp (NM_007297.4, NM_001407692.1, NM_001407694.1 and 29 more transcripts); c.2446C>G, p.His816Asp (NM_007300.4, NM_001407581.1, NM_001407582.1 and 30 more transcripts); c.646+1659C>G (NM_001408458.1, NM_001408469.1, NM_001408453.1 and 11 more transcripts); c.283+1659C>G (NM_001408512.1); and 41 more; short protein forms H520D, H689D, H705D, H727D, H728D, H746D, H748D, H816D.
Identifiers: ClinVar variation 1791394 (VCV001791394.9), dbSNP rs1597869935, ClinGen allele CA10597118.

ClinVar aggregate classification (germline): Conflicting classifications of pathogenicity. Review status: criteria provided, conflicting classifications (1 of 4 stars). 3 submissions from 3 submitters: Uncertain significance (2); Likely benign (1). Last evaluated 2023-03-23.

Conditions:
Hereditary cancer-predisposing syndrome. Also called: Hereditary Cancer Syndrome; Hereditary neoplastic syndrome; Tumor predisposition; Neoplastic Syndromes, Hereditary. Identifiers: Orphanet 140162, MedGen C0027672, MeSH D009386, MONDO:0015356.
Hereditary breast ovarian cancer syndrome. Also called: Hereditary breast and ovarian cancer syndrome (HBOC); Hereditary breast and ovarian cancer; BRCA1- and BRCA2-Associated Hereditary Breast and Ovarian Cancer; Breast and ovarian cancer; Hereditary breast and ovarian cancer syndrome; Hereditary breast and/or ovarian cancer syndrome. Identifiers: Orphanet 145, MedGen C0677776, MeSH D061325, MONDO:0003582. Disease mechanism: loss of function.

Submissions (3):

University of Washington Department of Laboratory Medicine, University of Washington
Classification: Likely benign for Hereditary cancer-predisposing syndrome. Last evaluated: 2023-03-23. Review status: criteria provided, single submitter. Criteria: Dines et al. (Genet Med. 2020). Collection method: curation. Allele origin: germline.
Comment: Missense variant in a coldspot region where missense variants are very unlikely to be pathogenic (PMID:31911673).

BRCA1 coldspot (exon 11 using historical exon numbering). Reclassification based on statistical prior probability

Labcorp Genetics (formerly Invitae), Labcorp
Classification: Uncertain significance for Hereditary breast ovarian cancer syndrome. Last evaluated: 2022-06-17. Review status: criteria provided, single submitter. Criteria: Invitae Variant Classification Sherloc (09022015). Collection method: clinical testing. Allele origin: germline.
Comment: This sequence change replaces histidine, which is basic and polar, with aspartic acid, which is acidic and polar, at codon 816 of the BRCA1 protein (p.His816Asp). This variant is not present in population databases (gnomAD no frequency). This variant has not been reported in the literature in individuals affected with BRCA1-related conditions. Advanced modeling of protein sequence and biophysical properties (such as structural, functional, and spatial information, amino acid conservation, physicochemical variation, residue mobility, and thermodynamic stability) performed at Invitae indicates that this missense variant is not expected to disrupt BRCA1 protein function. In summary, the available evidence is currently insufficient to determine the role of this variant in disease. Therefore, it has been classified as a Variant of Uncertain Significance.

Ambry Genetics
Classification: Uncertain significance for Hereditary cancer-predisposing syndrome. Last evaluated: 2022-02-12. Review status: criteria provided, single submitter. Criteria: Ambry Variant Classification Scheme 2023. Collection method: clinical testing. Allele origin: germline.
Comment: The p.H816D variant (also known as c.2446C>G), located in coding exon 9 of the BRCA1 gene, results from a C to G substitution at nucleotide position 2446. The histidine at codon 816 is replaced by aspartic acid, an amino acid with similar properties. This amino acid position is conserved. In addition, the in silico prediction for this alteration is inconclusive. Since supporting evidence is limited at this time, the clinical significance of this alteration remains unclear.